The following is an entry in ClinVar:

ClinVar aggregate classification (germline): Uncertain significance. Review status: criteria provided, multiple submitters, no conflicts (2 of 4 stars). 2 submissions from 2 submitters: Uncertain significance (2). Last evaluated 2024-10-24.

Conditions:
Inborn genetic diseases. Identifiers: MedGen C0950123, MeSH D030342.
Saldino-Mainzer syndrome (SRTD9). Also called: CONORENAL SYNDROME; Renal dysplasia, retinal pigmentary dystrophy, cerebellar ataxia and skeletal dysplasia; SHORT-RIB THORACIC DYSPLASIA 9 WITHOUT POLYDACTYLY; short-rib thoracic dysplasia 9 with or without polydactyly. Identifiers: Orphanet 140969, MedGen C1849437, MONDO:0009964, OMIM 266920.

Allele frequency attached by ClinVar (database versions not stated): gnomAD exomes 0.00001 and 0.00002; ExAC 0.00002; ESP Exome Variant Server 0.00008.

Submissions (2):

Labcorp Genetics (formerly Invitae), Labcorp
Classification: Uncertain significance for Saldino-Mainzer syndrome. Last evaluated: 2024-10-24. Review status: criteria provided, single submitter. Criteria: Invitae Variant Classification Sherloc (09022015). Collection method: clinical testing. Allele origin: germline.
Comment: This sequence change replaces glycine, which is neutral and non-polar, with arginine, which is basic and polar, at codon 461 of the IFT140 protein (p.Gly461Arg). This variant is present in population databases (rs146049665, gnomAD 0.003%). This variant has not been reported in the literature in individuals affected with IFT140-related conditions. ClinVar contains an entry for this variant (Variation ID: 1349795). Invitae Evidence Modeling of protein sequence and biophysical properties (such as structural, functional, and spatial information, amino acid conservation, physicochemical variation, residue mobility, and thermodynamic stability) has been performed for this missense variant. However, the output from this modeling did not meet the statistical confidence thresholds required to predict the impact of this variant on IFT140 protein function. In summary, the available evidence is currently insufficient to determine the role of this variant in disease. Therefore, it has been classified as a Variant of Uncertain Significance.

Ambry Genetics
Classification: Uncertain significance for Inborn genetic diseases. Last evaluated: 2022-12-21. Review status: criteria provided, single submitter. Criteria: Ambry Variant Classification Scheme 2023. Collection method: clinical testing. Allele origin: germline.

NM_014714.4(IFT140):c.1381G>A (p.Gly461Arg)

Genes: IFT140 (intraflagellar transport 140; minus strand), LOC105371046 (uncharacterized LOC105371046; plus strand). Cytogenetic location: 16p13.3.
Variant type: single nucleotide variant.
Coding change: c.1381G>A on transcript NM_014714.4 (MANE Select); coding-DNA position 1381, G replaced by A.
Protein change: p.Gly461Arg; replaces glycine 461 with arginine.
Molecular consequence: missense variant.
Genome position (GRCh38, 1-based): chr16:1,583,365, C>T on the plus strand (G>A on the coding strand, the complement: IFT140 is on the minus strand). VCF-style: chr16-1583365-C-T. GRCh37 (hg19) VCF-style: chr16-1633366-C-T.
Other names: c.1381G>A (NM_014714.3); short protein forms G461R.
Identifiers: ClinVar variation 1349795 (VCV001349795.8), dbSNP rs146049665, ClinGen allele CA7814320.
Genomic context (GRCh38, chr16:1,583,365, plus strand): 5'-AGAACCCACCTGCACTCCGTATCGCGGCTCCAGAAAGCTCGAAGATCGCCACCTGCCTTC[C>T]GTTCCAGACTGCGACAGCATCCTGAAAAGAACCACGGACATTCGAGGCAAAGGGCGGGAA-3'
Protein context (NP_055529.2, residues 451-471): ATKDAVAVWN[Gly461Arg]RQVAIFELSG